The following is an entry in ClinVar:

ClinVar aggregate classification (germline): Uncertain significance. Review status: criteria provided, multiple submitters, no conflicts (2 of 4 stars). 2 submissions from 2 submitters: Uncertain significance (2). Last evaluated 2026-01-04.

Conditions:
Hereditary cancer-predisposing syndrome. Also called: Neoplastic Syndromes, Hereditary; Tumor predisposition; Hereditary Cancer Syndrome; Hereditary neoplastic syndrome. Identifiers: Orphanet 140162, MedGen C0027672, MeSH D009386, MONDO:0015356.
Oligodontia-cancer predisposition syndrome. Also called: TOOTH AGENESIS-COLORECTAL CANCER SYNDROME. Identifiers: Orphanet 300576, MedGen C1837750, MONDO:0012075, OMIM 608615. Disease mechanism: loss of function.

gnomAD v4.1: 1 of 1,614,164 alleles (0.000062%); highest among the groups gnomAD compares: South Asian, 0.0011%; no homozygotes.

Submissions (2):

Ambry Genetics
Classification: Uncertain significance for Hereditary cancer-predisposing syndrome. Last evaluated: 2026-01-04. Review status: criteria provided, single submitter. Criteria: Ambry Variant Classification Scheme 2023. Collection method: clinical testing. Allele origin: germline.
Comment: The p.A257D variant (also known as c.770C>A), located in coding exon 1 of the AXIN2 gene, results from a C to A substitution at nucleotide position 770. The alanine at codon 257 is replaced by aspartic acid, an amino acid with dissimilar properties. This amino acid position is conserved. In addition, the in silico prediction for this alteration is inconclusive. Based on the available evidence, the clinical significance of this variant remains unclear.

Labcorp Genetics (formerly Invitae), Labcorp
Classification: Uncertain significance for Oligodontia-cancer predisposition syndrome. Last evaluated: 2022-04-07. Review status: criteria provided, single submitter. Criteria: Invitae Variant Classification Sherloc (09022015). Collection method: clinical testing. Allele origin: germline.
Comment: This sequence change replaces alanine, which is neutral and non-polar, with aspartic acid, which is acidic and polar, at codon 257 of the AXIN2 protein (p.Ala257Asp). This variant is not present in population databases (gnomAD no frequency). This variant has not been reported in the literature in individuals affected with AXIN2-related conditions. Algorithms developed to predict the effect of missense changes on protein structure and function are either unavailable or do not agree on the potential impact of this missense change (SIFT: "Tolerated"; PolyPhen-2: "Possibly Damaging"; Align-GVGD: "Class C0"). In summary, the available evidence is currently insufficient to determine the role of this variant in disease. Therefore, it has been classified as a Variant of Uncertain Significance.

NM_004655.4(AXIN2):c.770C>A (p.Ala257Asp)

Gene: AXIN2 (axin 2; minus strand). Cytogenetic location: 17q24.1.
Variant type: single nucleotide variant.
Coding change: c.770C>A on transcript NM_004655.4 (MANE Select); coding-DNA position 770, C replaced by A.
Protein change: p.Ala257Asp; replaces alanine 257 with aspartic acid.
Molecular consequence: missense variant.
Genome position (GRCh38, 1-based): chr17:65,557,851, G>T on the plus strand (C>A on the coding strand, the complement: AXIN2 is on the minus strand). VCF-style: chr17-65557851-G-T. GRCh37 (hg19) VCF-style: chr17-63553969-G-T.
Other names: c.770C>A, p.Ala257Asp (NM_001363813.1); short protein forms A257D.
Identifiers: ClinVar variation 1952619 (VCV001952619.6), dbSNP rs761317788, ClinGen allele CA400680312.
Genomic context (GRCh38, chr17:65,557,851, plus strand): 5'-CCGTCAAAGTCTTACCTGTATCCACTGTCAACAGTTTCCGTGGACCTCACACTCGCCGTG[G>T]CCCTCAGAGTTTTGCTGGACAAGCCAACCACGGTTGGCGAAAGTTTGCACTTGAAGTCGG-3'
Protein context (NP_004646.3, residues 247-267): VVGLSSKTLR[Ala257Asp]TASVRSTETV